The following is an entry in ClinVar:

ClinVar aggregate classification (germline): Uncertain significance. Review status: criteria provided, multiple submitters, no conflicts (2 of 4 stars). 4 submissions from 4 submitters: Uncertain significance (3). 1 of the submissions does not count toward it. Last evaluated 2022-05-04.

Conditions:
Abetalipoproteinaemia (ABL). Also called: MTP DEFICIENCY; Abetalipoproteinemia; Abetalipoproteinemia neuropathy; Apolipoprotein B deficiency; Congenital betalipoprotein deficiency syndrome. Identifiers: Orphanet 14, MedGen C0000744, MONDO:0008692, OMIM 200100, HP:0008181.

Allele frequency attached by ClinVar (database versions not stated): gnomAD 0.00001; TOPMed 0.00001; 1000 Genomes Project 0.00020; 1000 Genomes Project 30x 0.00031.
gnomAD v4.1: 28 of 1,614,218 alleles (0.0017%); highest among the groups gnomAD compares: Non-Finnish European, 0.0024%; no homozygotes.

Submissions (4):

Labcorp Genetics (formerly Invitae), Labcorp
Classification: Uncertain significance. Last evaluated: 2022-05-04. Review status: criteria provided, single submitter. Criteria: Invitae Variant Classification Sherloc (09022015). Collection method: clinical testing. Allele origin: germline.
Comment: This sequence change replaces aspartic acid, which is acidic and polar, with glutamic acid, which is acidic and polar, at codon 53 of the MTTP protein (p.Asp53Glu). This variant is present in population databases (rs72681995, gnomAD 0.003%). This variant has not been reported in the literature in individuals affected with MTTP-related conditions. ClinVar contains an entry for this variant (Variation ID: 901698). Algorithms developed to predict the effect of missense changes on protein structure and function output the following: SIFT: "Tolerated"; PolyPhen-2: "Benign"; Align-GVGD: "Class C0". The glutamic acid amino acid residue is found in multiple mammalian species, which suggests that this missense change does not adversely affect protein function. In summary, the available evidence is currently insufficient to determine the role of this variant in disease. Therefore, it has been classified as a Variant of Uncertain Significance.

Illumina Laboratory Services, Illumina
Classification: Uncertain significance for Abetalipoproteinaemia. Last evaluated: 2017-04-27. Review status: criteria provided, single submitter. Criteria: ICSL Variant Classification Criteria 13 December 2019. Collection method: clinical testing. Allele origin: germline.

Breakthrough Genomics
Classification: Uncertain significance. Review status: criteria provided, single submitter. Criteria: ACMG Guidelines, 2015. Collection method: not provided. Allele origin: germline. Inheritance: Autosomal recessive inheritance. Affected: yes.

Natera, Inc.
Classification: Uncertain significance for Abetalipoproteinemia. Last evaluated: 2020-01-24. Review status: no assertion criteria provided. Collection method: clinical testing. Allele origin: germline. Not counted in ClinVar's aggregate classification.

NM_001386140.1(MTTP):c.159C>A (p.Asp53Glu)

Gene: MTTP (microsomal triglyceride transfer protein; plus strand). Cytogenetic location: 4q23.
Variant type: single nucleotide variant.
Coding change: c.159C>A on transcript NM_001386140.1 (MANE Select); coding-DNA position 159, C replaced by A.
Protein change: p.Asp53Glu; replaces aspartic acid 53 with glutamic acid.
Molecular consequence: missense variant. On other transcripts: 5 prime UTR variant (1).
Genome position (GRCh38, 1-based): chr4:99,582,002, C>A. VCF-style: chr4-99582002-C-A. GRCh37 (hg19) VCF-style: chr4-100503159-C-A.
Other names: c.159C>A, p.Asp53Glu (NM_000253.4); c.-91C>A (NM_001300785.2); short protein forms D53E.
Identifiers: ClinVar variation 901698 (VCV000901698.10), dbSNP rs72681995, ClinGen allele CA3021753.